The following is an entry in ClinVar:

NM_006506.5(RASA2):c.1057A>C (p.Ile353Leu)

Gene: RASA2 (RAS p21 protein activator 2; plus strand). Cytogenetic location: 3q23.
Variant type: single nucleotide variant.
Coding change: c.1057A>C on transcript NM_006506.5 (MANE Select); coding-DNA position 1057, A replaced by C.
Protein change: p.Ile353Leu; replaces isoleucine 353 with leucine.
Molecular consequence: missense variant.
Genome position (GRCh38, 1-based): chr3:141,571,442, A>C. VCF-style: chr3-141571442-A-C. GRCh37 (hg19) VCF-style: chr3-141290284-A-C.
Other names: c.1057A>C, p.Ile353Leu (NM_001303245.3, NM_001303246.3); short protein forms I353L.
Identifiers: ClinVar variation 4841393 (VCV004841393.1).
Genomic context (GRCh38, chr3:141,571,442, plus strand): 5'-TGTTTTCTACCTTTCTGTATTTAGCCAATATCTGCCTCAGCTGCTTACATTTTGAGTGAA[A>C]TATGTCGAGATAAAAATGATGCTGTTTTGCCCCTTGTACGACTGCTGCTGCACCATGATA-3'
Protein context (NP_006497.2, residues 343-363): SASAAYILSE[Ile353Leu]CRDKNDAVLP

ClinVar aggregate classification (germline): Uncertain significance (1 of 4 stars; one submission).

gnomAD v4.1: 2 of 1,613,774 alleles (0.00012%); highest among the groups gnomAD compares: African/African-American, 0.0027%; no homozygotes.

Submission:

Ambry Genetics
Classification: Uncertain significance. Last evaluated: 2026-01-06. Review status: criteria provided, single submitter. Criteria: Ambry Variant Classification Scheme 2023. Collection method: clinical testing. Allele origin: germline.
Comment: The p.I353L variant (also known as c.1057A>C), located in coding exon 11 of the RASA2 gene, results from an A to C substitution at nucleotide position 1057. The isoleucine at codon 353 is replaced by leucine, an amino acid with highly similar properties. This amino acid position is conserved. In addition, this alteration is predicted to be tolerated by in silico analysis. Based on the available evidence, the clinical significance of this variant remains unclear.